The following is an entry in ClinVar:

ClinVar aggregate classification (germline): Benign. Review status: criteria provided, single submitter (1 of 4 stars). 2 submissions from 2 submitters: Benign (1). 1 of the submissions does not count toward it. Last evaluated 2025-12-24.

Conditions:
SUN1-related disorder. Also called: SUN1-related condition.
Emery-Dreifuss muscular dystrophy (EDMD). Also called: Scapuloperoneal syndrome, X-linked (formerly); Humeroperoneal neuromuscular disease, (formerly). Identifiers: Orphanet 261, MedGen C0410189, MONDO:0016830.

Allele frequency attached by ClinVar (database versions not stated): gnomAD exomes 0.00091 and 0.00028; ExAC 0.00101; 1000 Genomes Project 30x 0.00297; 1000 Genomes Project 0.00319; gnomAD 0.00360 and 0.00384; ESP Exome Variant Server 0.00365; TOPMed 0.00379.

Submissions (2):

Labcorp Genetics (formerly Invitae), Labcorp
Classification: Benign for Emery-Dreifuss muscular dystrophy. Last evaluated: 2025-12-24. Review status: criteria provided, single submitter. Criteria: Invitae Variant Classification Sherloc (09022015). Collection method: clinical testing. Allele origin: germline.

PreventionGenetics, part of Exact Sciences
Classification: Benign for SUN1-related condition. Last evaluated: 2019-08-01. Review status: no assertion criteria provided. Collection method: clinical testing. Allele origin: germline. Not counted in ClinVar's aggregate classification.
Comment: This variant is classified as benign based on ACMG/AMP sequence variant interpretation guidelines (Richards et al. 2015 PMID: 25741868, with internal and published modifications).

NM_001130965.3(SUN1):c.1133A>G (p.His378Arg)

Gene: SUN1 (Sad1 and UNC84 domain containing 1; plus strand). Cytogenetic location: 7p22.3.
Variant type: single nucleotide variant.
Coding change: c.1133A>G on transcript NM_001130965.3 (MANE Select); coding-DNA position 1133, A replaced by G.
Protein change: p.His378Arg; replaces histidine 378 with arginine.
Molecular consequence: missense variant. On other transcripts: non-coding transcript variant (3).
Genome position (GRCh38, 1-based): chr7:853,488, A>G. VCF-style: chr7-853488-A-G. GRCh37 (hg19) VCF-style: chr7-893125-A-G.
Other names: c.1526A>G, p.His509Arg (NM_001367705.1, NM_001367703.1); c.1265A>G, p.His422Arg (NM_001367706.1, NM_001367673.1); c.566A>G, p.His189Arg (NM_001367708.1); c.884A>G, p.His295Arg (NM_025154.6); c.824A>G, p.His275Arg (NM_001171944.2); c.1133A>G, p.His378Arg (NM_001367633.1, NM_001367634.1, NM_001367653.1 and 1 more transcripts); c.782A>G, p.His261Arg (NM_001367635.1); c.1373A>G, p.His458Arg (NM_001367636.1, NM_001367691.1); and 38 more; short protein forms H140R, H225R, H328R, H332R, H355R, H356R, H387R, H405R.
Identifiers: ClinVar variation 707793 (VCV000707793.13), dbSNP rs77831520, ClinGen allele CA4112081.